The following is an entry in ClinVar:

ClinVar aggregate classification (germline): Conflicting classifications of pathogenicity. Review status: criteria provided, conflicting classifications (1 of 4 stars). 5 submissions from 5 submitters: Uncertain significance (2); Benign (1); Likely benign (2). Last evaluated 2026-04-14.

Conditions:
Progressive familial intrahepatic cholestasis type 2. Identifiers: Orphanet 79304, MedGen C3489789, MONDO:0011156, OMIM 601847.
Familial intrahepatic cholestasis. Identifiers: Orphanet 284385, MedGen CN296401, MONDO:0017290.

Allele frequency attached by ClinVar (database versions not stated): TOPMed 0.00048; ExAC 0.00051; gnomAD exomes 0.00064 and 0.00036; ESP Exome Variant Server 0.00066; gnomAD 0.00046 and 0.00047.
gnomAD v4.1: 630 of 1,613,786 alleles (0.039%); highest among the groups gnomAD compares: Middle Eastern, 0.016%; 4 homozygotes.

Submissions (5):

Genomenon, Inc
Classification: Uncertain significance for Familial intrahepatic cholestasis. Last evaluated: 2026-04-14. Review status: criteria provided, single submitter. Criteria: Genomenon Sequence Variant Interpretation Standards - Updated. Collection method: curation. Allele origin: germline. Affected: no.
Comment: ABCB11 p.Lys1175Thr (c.3524A>C) is a missense variant that changes the amino acid at residue 1175 from Lysine to Threonine. This variant has been reported in the published literature (PMID:31538484). In conclusion, we classify ABCB11 p.Lys1175Thr (c.3524A>C) as a variant of uncertain significance.

Labcorp Genetics (formerly Invitae), Labcorp
Classification: Benign. Last evaluated: 2026-01-20. Review status: criteria provided, single submitter. Criteria: Invitae Variant Classification Sherloc (09022015). Collection method: clinical testing. Allele origin: germline.

Women's Health and Genetics/Laboratory Corporation of America, LabCorp
Classification: Likely benign. Last evaluated: 2022-05-03. Review status: criteria provided, single submitter. Criteria: LabCorp Variant Classification Summary - May 2015. Collection method: clinical testing. Allele origin: germline.
Comment: Variant summary: ABCB11 c.3524A>C (p.Lys1175Thr) results in a non-conservative amino acid change located in the ABC transporter-like, ATP-binding domain (IPR003439) of the encoded protein sequence. Three of five in-silico tools predict a damaging effect of the variant on protein function. The variant allele was found at a frequency of 0.00064 in 249244 control chromosomes in the gnomAD database, including 1 homozygote. This frequency is not significantly higher than estimated for a pathogenic variant in ABCB11 causing Familial Intrahepatic Cholestasis (0.00064 vs 0.0022), allowing no conclusion about variant significance. To our knowledge, no penetrant association of c.3524A>C in individuals affected with Familial Intrahepatic Cholestasis and no experimental evidence demonstrating its impact on protein function have been reported. Three clinical diagnostic laboratories have submitted clinical-significance assessments for this variant to ClinVar after 2014 without evidence for independent evaluation. Based on the evidence outlined above, the variant was classified as likely benign.

Illumina Laboratory Services, Illumina
Classification: Uncertain significance for Progressive familial intrahepatic cholestasis type 2. Last evaluated: 2018-01-12. Review status: criteria provided, single submitter. Criteria: ICSL Variant Classification Criteria 13 December 2019. Collection method: clinical testing. Allele origin: germline.

Eurofins Ntd Llc (ga)
Classification: Likely benign. Last evaluated: 2017-05-11. Review status: criteria provided, single submitter. Criteria: EGL Classification Definitions 2015. Collection method: clinical testing. Allele origin: germline. Observed: 1 variant allele, 1 heterozygote.

Literature cited by the submitters: PubMed 31538484 (cited by Genomenon, Inc).

NM_003742.4(ABCB11):c.3524A>C (p.Lys1175Thr)

Gene: ABCB11 (ATP binding cassette subfamily B member 11; minus strand). Cytogenetic location: 2q31.1.
Variant type: single nucleotide variant.
Coding change: c.3524A>C on transcript NM_003742.4 (MANE Select); coding-DNA position 3524, A replaced by C.
Protein change: p.Lys1175Thr; replaces lysine 1175 with threonine.
Molecular consequence: missense variant.
Genome position (GRCh38, 1-based): chr2:168,927,250, T>G on the plus strand (A>C on the coding strand, the complement: ABCB11 is on the minus strand). VCF-style: chr2-168927250-T-G. GRCh37 (hg19) VCF-style: chr2-169783760-T-G.
Other names: c.3524A>C, p.Lys1175Thr (LRG_1199t1); short protein forms K1175T.
Identifiers: ClinVar variation 501908 (VCV000501908.21), dbSNP rs200709879, ClinGen allele CA1950997.